The following is an entry in ClinVar:

ClinVar aggregate classification (germline): Likely pathogenic (1 of 4 stars; one submission).

Conditions:
3-methylcrotonyl-CoA carboxylase 2 deficiency. Also called: METHYLCROTONYLGLYCINURIA, TYPE II; 3 alpha methylcrotonyl-CoA carboxylase 2 deficiency; 3 alpha methylcrotonylglycinuria 2; MCC 2 deficiency; Methylcrotonylglycinuria type 2. Identifiers: Orphanet 6, MedGen C1859499, MONDO:0008862, OMIM 210210.

Submission:

Labcorp Genetics (formerly Invitae), Labcorp
Classification: Likely pathogenic for 3-methylcrotonyl-CoA carboxylase 2 deficiency. Last evaluated: 2022-07-05. Review status: criteria provided, single submitter. Criteria: Invitae Variant Classification Sherloc (09022015). Collection method: clinical testing. Allele origin: germline.
Comment: In summary, the currently available evidence indicates that the variant is pathogenic, but additional data are needed to prove that conclusively. Therefore, this variant has been classified as Likely Pathogenic. Advanced modeling of protein sequence and biophysical properties (such as structural, functional, and spatial information, amino acid conservation, physicochemical variation, residue mobility, and thermodynamic stability) performed at Invitae indicates that this missense variant is expected to disrupt MCCC2 protein function. ClinVar contains an entry for this variant (Variation ID: 467804). This missense change has been observed in individual(s) with 3-methylcrotonyl-CoA carboxylase deficiency (Invitae). In at least one individual the data is consistent with being in trans (on the opposite chromosome) from a pathogenic variant. This variant is not present in population databases (gnomAD no frequency). This sequence change replaces threonine, which is neutral and polar, with proline, which is neutral and non-polar, at codon 484 of the MCCC2 protein (p.Thr484Pro).

NM_022132.5(MCCC2):c.1450A>C (p.Thr484Pro)

Gene: MCCC2 (methylcrotonyl-CoA carboxylase subunit 2; plus strand). Cytogenetic location: 5q13.2.
Variant type: single nucleotide variant.
Coding change: c.1450A>C on transcript NM_022132.5 (MANE Select); coding-DNA position 1450, A replaced by C.
Protein change: p.Thr484Pro; replaces threonine 484 with proline.
Molecular consequence: missense variant.
Genome position (GRCh38, 1-based): chr5:71,650,145, A>C. VCF-style: chr5-71650145-A-C. GRCh37 (hg19) VCF-style: chr5-70945972-A-C.
Other names: c.1336A>C, p.Thr446Pro (NM_001363147.1); short protein forms T484P, T446P.
Identifiers: ClinVar variation 467804 (VCV000467804.8), dbSNP rs1554138549, ClinGen allele CA359999203.